The following is an entry in ClinVar:

NM_018489.3(ASH1L):c.5584G>C (p.Val1862Leu)

Gene: ASH1L (ASH1 like histone lysine methyltransferase; minus strand). Cytogenetic location: 1q22.
Variant type: single nucleotide variant.
Coding change: c.5584G>C on transcript NM_018489.3 (MANE Select); coding-DNA position 5584, G replaced by C.
Protein change: p.Val1862Leu; replaces valine 1862 with leucine.
Molecular consequence: missense variant.
Genome position (GRCh38, 1-based): chr1:155,438,571, C>G on the plus strand (G>C on the coding strand, the complement: ASH1L is on the minus strand). VCF-style: chr1-155438571-C-G. GRCh37 (hg19) VCF-style: chr1-155408362-C-G.
Other names: c.5584G>C, p.Val1862Leu (NM_001366177.2); short protein forms V1862L.
Identifiers: ClinVar variation 2501501 (VCV002501501.1), dbSNP rs754662724, ClinGen allele CA342688896.

ClinVar aggregate classification (germline): Uncertain significance (1 of 4 stars; one submission).

Submission:

GeneDx
Classification: Uncertain significance. Last evaluated: 2022-11-05. Review status: criteria provided, single submitter. Criteria: GeneDx Variant Classification Process June 2021. Collection method: clinical testing. Allele origin: germline. Affected: yes.
Comment: Not observed at significant frequency in large population cohorts (gnomAD); In silico analysis supports that this missense variant does not alter protein structure/function; Has not been previously published as pathogenic or benign to our knowledge